The following is an entry in ClinVar:

ClinVar aggregate classification (germline): Likely benign. Review status: criteria provided, multiple submitters, no conflicts (2 of 4 stars). 3 submissions from 3 submitters: Likely benign (3). Last evaluated 2026-01-01.

Conditions:
CEACAM16-related disorder. Also called: CEACAM16-related condition.

gnomAD v4.1: 78 of 1,560,730 alleles (0.005%); highest among the groups gnomAD compares: Non-Finnish European, 0.006%; no homozygotes.

Submissions (3):

Labcorp Genetics (formerly Invitae), Labcorp
Classification: Likely benign. Last evaluated: 2026-01-01. Review status: criteria provided, single submitter. Criteria: Invitae Variant Classification Sherloc (09022015). Collection method: clinical testing. Allele origin: germline.

PreventionGenetics, part of Exact Sciences
Classification: Likely benign for CEACAM16-related condition. Last evaluated: 2025-03-13. Review status: criteria provided, single submitter. Criteria: ACMG Guidelines, 2015. Collection method: clinical testing. Allele origin: germline.
Comment: This variant is classified as likely benign based on ACMG/AMP sequence variant interpretation guidelines (Richards et al. 2015 PMID: 25741868, with internal and published modifications).

Blueprint Genetics
Classification: Likely benign. Last evaluated: 2023-12-18. Review status: criteria provided, single submitter. Criteria: ACMG Guidelines, 2015. Collection method: clinical testing. Allele origin: germline.

NM_001039213.4(CEACAM16):c.969C>T (p.Pro323=)

Genes: CEACAM16 (CEA cell adhesion molecule 16, tectorial membrane component; plus strand), CEACAM16-AS1 (CEACAM16, CEACAM19 and PVR antisense RNA 1; minus strand). Cytogenetic location: 19q13.32.
Variant type: single nucleotide variant.
Coding change: c.969C>T on transcript NM_001039213.4 (MANE Select); coding-DNA position 969, C replaced by T.
Protein change: p.Pro323=; no amino-acid change (proline 323 retained).
Molecular consequence: synonymous variant.
Genome position (GRCh38, 1-based): chr19:44,707,889, C>T. VCF-style: chr19-44707889-C-T. GRCh37 (hg19) VCF-style: chr19-45211161-C-T.
Other names: c.969C>T (NM_001039213.3).
Identifiers: ClinVar variation 4753196 (VCV004753196.3).